The following is an entry in ClinVar:

ClinVar aggregate classification (germline): Uncertain significance (1 of 4 stars; one submission).

Conditions:
Gorlin syndrome. Also called: Nevoid Basal Cell Carcinoma Syndrome; Basal cell nevus syndrome. Identifiers: Orphanet 377, MedGen C0004779, MONDO:0007187.

Submission:

Labcorp Genetics (formerly Invitae), Labcorp
Classification: Uncertain significance for Gorlin syndrome. Last evaluated: 2022-01-27. Review status: criteria provided, single submitter. Criteria: Invitae Variant Classification Sherloc (09022015). Collection method: clinical testing. Allele origin: germline.
Comment: This variant is not present in population databases (gnomAD no frequency). In summary, the available evidence is currently insufficient to determine the role of this variant in disease. Therefore, it has been classified as a Variant of Uncertain Significance. Advanced modeling of protein sequence and biophysical properties (such as structural, functional, and spatial information, amino acid conservation, physicochemical variation, residue mobility, and thermodynamic stability) performed at Invitae indicates that this missense variant is not expected to disrupt PTCH1 protein function. This variant has not been reported in the literature in individuals affected with PTCH1-related conditions. This sequence change replaces glutamine, which is neutral and polar, with histidine, which is basic and polar, at codon 938 of the PTCH1 protein (p.Gln938His).

NM_000264.5(PTCH1):c.2814G>C (p.Gln938His)

Gene: PTCH1 (patched 1; minus strand). Cytogenetic location: 9q22.32.
Variant type: single nucleotide variant.
Coding change: c.2814G>C on transcript NM_000264.5 (MANE Select); coding-DNA position 2814, G replaced by C.
Protein change: p.Gln938His; replaces glutamine 938 with histidine.
Molecular consequence: missense variant. On other transcripts: non-coding transcript variant (1).
Genome position (GRCh38, 1-based): chr9:95,459,673, C>G on the plus strand (G>C on the coding strand, the complement: PTCH1 is on the minus strand). VCF-style: chr9-95459673-C-G. GRCh37 (hg19) VCF-style: chr9-98221955-C-G.
Other names: c.2361G>C, p.Gln787His (NM_001083606.3, NM_001083607.3, NM_001083604.3 and 1 more transcripts); c.2658G>C, p.Gln886His (NM_001354918.2); c.2616G>C, p.Gln872His (NM_001083602.3); c.2811G>C, p.Gln937His (NM_001083603.3); short protein forms Q787H, Q937H, Q886H, Q938H, Q872H.
Identifiers: ClinVar variation 1389994 (VCV001389994.6), dbSNP rs587780534, ClinGen allele CA374113024.
Genomic context (GRCh38, chr9:95,459,673, plus strand): 5'-TTCAGGCATGTAGTCGGCTTTGTCGTGGACCCATTCTGGTCGGTGTGGCCGGATGTTGGC[C>G]TGGGAGGCAGCATACGCGACGGGGTCGTTGCTGACCCAAGCCGTCAGGTAGATGTAGAAA-3'
Protein context (NP_000255.2, residues 928-948): SNDPVAYAAS[Gln938His]ANIRPHRPEW